The following is an entry in ClinVar:

ClinVar aggregate classification (germline): Likely pathogenic (1 of 4 stars; one submission).

Conditions:
HNF4A-related disorder. Also called: HNF4A-related condition.

gnomAD v4.1: 1 of 1,613,306 alleles (0.000062%); no homozygotes.

Submission:

PreventionGenetics, part of Exact Sciences
Classification: Likely pathogenic for HNF4A-related condition. Last evaluated: 2025-12-22. Review status: criteria provided, single submitter. Criteria: ACMG Guidelines, 2015. Collection method: clinical testing. Allele origin: germline.
Comment: The HNF4A c.37G>T variant is predicted to result in premature protein termination (p.Glu13*). This variant has been reported in an individual with maturity-onset diabetes of the young (MODY) and in family members (Table S3, Mirshahi et al., 2022; PubMed ID: 36257325). It has not been reported in large population databases (gnomAD), indicating that the variant is rare. Nonsense variants in HNF4A are expected to be pathogenic. Based on the available evidence, this variant is interpreted as likely pathogenic.

NM_175914.5(HNF4A):c.37G>T (p.Glu13Ter)

Gene: HNF4A (hepatocyte nuclear factor 4 alpha; plus strand). Cytogenetic location: 20q13.12.
Variant type: single nucleotide variant.
Coding change: c.37G>T on transcript NM_175914.5 (MANE Select); coding-DNA position 37, G replaced by T.
Protein change: p.Glu13Ter; replaces glutamic acid 13 with a stop codon.
Molecular consequence: nonsense. On other transcripts: 5 prime UTR variant (3).
Genome position (GRCh38, 1-based): chr20:44,355,841, G>T. VCF-style: chr20-44355841-G-T. GRCh37 (hg19) VCF-style: chr20-42984481-G-T.
Other names: c.37G>T, p.Glu13Ter (NM_001030003.3, NM_001030004.3); c.-195G>T (NM_001287182.2, NM_001287183.2, NM_001287184.2); short protein forms E13*.
Identifiers: ClinVar variation 4993256 (VCV004993256.1).